The following is an entry in ClinVar:

NM_199242.3(UNC13D):c.514C>A (p.Arg172Ser)

Gene: UNC13D (unc-13 homolog D; minus strand). Cytogenetic location: 17q25.1.
Variant type: single nucleotide variant.
Coding change: c.514C>A on transcript NM_199242.3 (MANE Select); coding-DNA position 514, C replaced by A.
Protein change: p.Arg172Ser; replaces arginine 172 with serine.
Molecular consequence: missense variant.
Genome position (GRCh38, 1-based): chr17:75,842,488, G>T on the plus strand (C>A on the coding strand, the complement: UNC13D is on the minus strand). VCF-style: chr17-75842488-G-T. GRCh37 (hg19) VCF-style: chr17-73838569-G-T.
Other names: short protein forms R172S.
Identifiers: ClinVar variation 850011 (VCV000850011.8), dbSNP rs560126604, ClinGen allele CA8773457.

ClinVar aggregate classification (germline): Uncertain significance (1 of 4 stars; one submission).

Conditions:
Familial hemophagocytic lymphohistiocytosis 3 (FHL3). Also called: UNC13D-Related Familial Hemophagocytic Lymphohistiocytosis (UNC13D-fHLH). Identifiers: Orphanet 540, MedGen C1837174, MONDO:0012146, OMIM 608898.

Allele frequency attached by ClinVar (database versions not stated): TOPMed 0.00001.
gnomAD v4.1: 4 of 1,613,310 alleles (0.00025%); highest among the groups gnomAD compares: Non-Finnish European, 0.00034%; no homozygotes.

Submission:

Labcorp Genetics (formerly Invitae), Labcorp
Classification: Uncertain significance for Familial hemophagocytic lymphohistiocytosis 3. Last evaluated: 2025-04-07. Review status: criteria provided, single submitter. Criteria: Invitae Variant Classification Sherloc (09022015). Collection method: clinical testing. Allele origin: germline.
Comment: This sequence change replaces arginine, which is basic and polar, with serine, which is neutral and polar, at codon 172 of the UNC13D protein (p.Arg172Ser). The frequency data for this variant in the population databases is considered unreliable, as metrics indicate poor data quality at this position in the gnomAD database. This variant has not been reported in the literature in individuals affected with UNC13D-related conditions. ClinVar contains an entry for this variant (Variation ID: 850011). Invitae Evidence Modeling of protein sequence and biophysical properties (such as structural, functional, and spatial information, amino acid conservation, physicochemical variation, residue mobility, and thermodynamic stability) indicates that this missense variant is not expected to disrupt UNC13D protein function with a negative predictive value of 80%. In summary, the available evidence is currently insufficient to determine the role of this variant in disease. Therefore, it has been classified as a Variant of Uncertain Significance.